The following is an entry in ClinVar:

ClinVar aggregate classification (germline): Uncertain significance. Review status: criteria provided, multiple submitters, no conflicts (2 of 4 stars). 2 submissions from 2 submitters: Uncertain significance (2). Last evaluated 2023-10-12.

Conditions:
Charcot-Marie-Tooth disease type 4. Also called: Charcot-Marie-Tooth disease, type IV; Charcot-Marie-Tooth, Type 4. Identifiers: Orphanet 64749, MedGen C4082197, MONDO:0018995.

Submissions (2):

Labcorp Genetics (formerly Invitae), Labcorp
Classification: Uncertain significance for Charcot-Marie-Tooth disease type 4. Last evaluated: 2023-10-12. Review status: criteria provided, single submitter. Criteria: Invitae Variant Classification Sherloc (09022015). Collection method: clinical testing. Allele origin: germline.
Comment: This sequence change replaces alanine, which is neutral and non-polar, with aspartic acid, which is acidic and polar, at codon 631 of the SBF2 protein (p.Ala631Asp). This variant is not present in population databases (gnomAD no frequency). This variant has not been reported in the literature in individuals affected with SBF2-related conditions. ClinVar contains an entry for this variant (Variation ID: 1685085). Advanced modeling of protein sequence and biophysical properties (such as structural, functional, and spatial information, amino acid conservation, physicochemical variation, residue mobility, and thermodynamic stability) performed at Invitae indicates that this missense variant is expected to disrupt SBF2 protein function. In summary, the available evidence is currently insufficient to determine the role of this variant in disease. Therefore, it has been classified as a Variant of Uncertain Significance.

Mendelics
Classification: Uncertain significance. Last evaluated: 2022-05-04. Review status: criteria provided, single submitter. Criteria: Mendelics Assertion Criteria 2019. Collection method: clinical testing. Allele origin: germline.

NM_030962.4(SBF2):c.1892C>A (p.Ala631Asp)

Genes: SBF2 (SET binding factor 2; minus strand), LOC101928008 (uncharacterized LOC101928008; plus strand). Cytogenetic location: 11p15.4.
Variant type: single nucleotide variant.
Coding change: c.1892C>A on transcript NM_030962.4 (MANE Select); coding-DNA position 1892, C replaced by A.
Protein change: p.Ala631Asp; replaces alanine 631 with aspartic acid.
Molecular consequence: missense variant.
Genome position (GRCh38, 1-based): chr11:9,895,980, G>T on the plus strand (C>A on the coding strand, the complement: SBF2 is on the minus strand). VCF-style: chr11-9895980-G-T. GRCh37 (hg19) VCF-style: chr11-9917527-G-T.
Other names: c.1892C>A, p.Ala631Asp (NM_001386339.1); c.1763C>A, p.Ala588Asp (NM_001386342.1); short protein forms A588D, A631D.
Identifiers: ClinVar variation 1685085 (VCV001685085.4), dbSNP rs376057124, ClinGen allele CA379646347.